The following is an entry in ClinVar:

NM_001083926.2(ASRGL1):c.280G>A (p.Ala94Thr)

Gene: ASRGL1 (asparaginase and isoaspartyl peptidase 1; plus strand). Cytogenetic location: 11q12.3.
Variant type: single nucleotide variant.
Coding change: c.280G>A on transcript NM_001083926.2 (MANE Select); coding-DNA position 280, G replaced by A.
Protein change: p.Ala94Thr; replaces alanine 94 with threonine.
Molecular consequence: missense variant.
Genome position (GRCh38, 1-based): chr11:62,356,414, G>A. VCF-style: chr11-62356414-G-A. GRCh37 (hg19) VCF-style: chr11-62123886-G-A.
Other names: c.280G>A, p.Ala94Thr (NM_025080.4); short protein forms A94T.
Identifiers: ClinVar variation 1915659 (VCV001915659.6), dbSNP rs201870863, ClinGen allele CA6043139.

ClinVar aggregate classification (germline): Uncertain significance. Review status: criteria provided, multiple submitters, no conflicts (2 of 4 stars). 2 submissions from 2 submitters: Uncertain significance (2). Last evaluated 2025-10-24.

Allele frequency attached by ClinVar (database versions not stated): ESP Exome Variant Server 0.00008; 1000 Genomes Project 30x 0.00016.
gnomAD v4.1: 99 of 1,614,196 alleles (0.0061%); highest among the groups gnomAD compares: South Asian, 0.058%; 2 homozygotes.

Submissions (2):

Labcorp Genetics (formerly Invitae), Labcorp
Classification: Uncertain significance. Last evaluated: 2025-10-24. Review status: criteria provided, single submitter. Criteria: Invitae Variant Classification Sherloc (09022015). Collection method: clinical testing. Allele origin: germline.
Comment: This sequence change replaces alanine, which is neutral and non-polar, with threonine, which is neutral and polar, at codon 94 of the ASRGL1 protein (p.Ala94Thr). This variant is present in population databases (rs201870863, gnomAD 0.06%), and has an allele count higher than expected for a pathogenic variant. This variant has not been reported in the literature in individuals affected with ASRGL1-related conditions. ClinVar contains an entry for this variant (Variation ID: 1915659). An algorithm developed to predict the effect of missense changes on protein structure and function (PolyPhen-2) suggests that this variant is likely to be disruptive. In summary, the available evidence is currently insufficient to determine the role of this variant in disease. Therefore, it has been classified as a Variant of Uncertain Significance.

Ambry Genetics
Classification: Uncertain significance. Last evaluated: 2021-10-22. Review status: criteria provided, single submitter. Criteria: Ambry Variant Classification Scheme 2023. Collection method: clinical testing. Allele origin: germline.